The following is an entry in ClinVar:

ClinVar aggregate classification (germline): Uncertain significance (1 of 4 stars; one submission).

Conditions:
Hereditary cancer-predisposing syndrome. Also called: Neoplastic Syndromes, Hereditary; Tumor predisposition; Hereditary neoplastic syndrome; Hereditary Cancer Syndrome. Identifiers: Orphanet 140162, MedGen C0027672, MeSH D009386, MONDO:0015356.

Submission:

Ambry Genetics
Classification: Uncertain significance for Hereditary cancer-predisposing syndrome. Last evaluated: 2026-07-07. Review status: criteria provided, single submitter. Criteria: Ambry Variant Classification Scheme 2023. Collection method: clinical testing. Allele origin: germline.
Comment: The p.T50S variant (also known as c.148A>T), located in coding exon 1 of the PHOX2B gene, results from an A to T substitution at nucleotide position 148. The threonine at codon 50 is replaced by serine, an amino acid with similar properties. This amino acid position is conserved. In addition, this alteration is predicted to be tolerated by in silico analysis. Based on the available evidence, the clinical significance of this variant remains unclear.

NM_003924.4(PHOX2B):c.148A>T (p.Thr50Ser)

Genes: PHOX2B (paired like homeobox 2B; minus strand), PHOX2B-AS1 (PHOX2B antisense RNA 1; plus strand). Cytogenetic location: 4p13.
Variant type: single nucleotide variant.
Coding change: c.148A>T on transcript NM_003924.4 (MANE Select); coding-DNA position 148, A replaced by T.
Protein change: p.Thr50Ser; replaces threonine 50 with serine.
Molecular consequence: missense variant. On other transcripts: non-coding transcript variant (1).
Genome position (GRCh38, 1-based): chr4:41,748,463, T>A on the plus strand (A>T on the coding strand, the complement: PHOX2B is on the minus strand). VCF-style: chr4-41748463-T-A. GRCh37 (hg19) VCF-style: chr4-41750480-T-A.
Other names: short protein forms T50S.
Identifiers: ClinVar variation 5026598 (VCV005026598.1).
Genomic context (GRCh38, chr4:41,748,463, plus strand): 5'-GGGTGCCCAGGCTGCAGGATCCCGGCGTGAGGGAAGGGCAGCCGGACGTGGCCCCAAAAG[T>A]GGTCCTTATCGGGTTATACTGGAAGCCACTGGCCTGGCTGCAGGAACTGAAGTCAGCATA-3'
Protein context (NP_003915.2, residues 40-60): SGFQYNPIRT[Thr50Ser]FGATSGCPSL